The following is an entry in ClinVar:

NM_003265.3(TLR3):c.1561A>G (p.Ile521Val)

Gene: TLR3 (toll like receptor 3; plus strand). Cytogenetic location: 4q35.1.
Variant type: single nucleotide variant.
Coding change: c.1561A>G on transcript NM_003265.3 (MANE Select); coding-DNA position 1561, A replaced by G.
Protein change: p.Ile521Val; replaces isoleucine 521 with valine.
Molecular consequence: missense variant.
Genome position (GRCh38, 1-based): chr4:186,083,247, A>G. VCF-style: chr4-186083247-A-G. GRCh37 (hg19) VCF-style: chr4-187004401-A-G.
Other names: short protein forms I521V.
Identifiers: ClinVar variation 1983422 (VCV001983422.4), dbSNP rs750424441, ClinGen allele CA3161433.
Genomic context (GRCh38, chr4:186,083,247, plus strand): 5'-CCATTCCAGCCTCTTCGTAACTTGACCATTCTGGATCTAAGCAACAACAACATAGCCAAC[A>G]TAAATGATGACATGTTGGAGGGTCTTGAGAAACTAGAAATTCTCGATTTGCAGCATAACA-3'
Protein context (NP_003256.1, residues 511-531): LDLSNNNIAN[Ile521Val]NDDMLEGLEK

ClinVar aggregate classification (germline): Uncertain significance (1 of 4 stars; one submission).

Conditions:
Encephalopathy, acute, infection-induced (herpes-specific), susceptibility to, 1. Also called: Herpes simplex encephalitis, susceptibility to, 1. Identifiers: Orphanet 1930, MedGen C2750180, MONDO:0024563, OMIM 610551.

Allele frequency attached by ClinVar (database versions not stated): ExAC 0.00001; gnomAD exomes 0.00001; TOPMed 0.00003; gnomAD 0.00002.
gnomAD v4.1: 12 of 1,614,118 alleles (0.00074%); highest among the groups gnomAD compares: Non-Finnish European, 0.001%; no homozygotes.

Submission:

Labcorp Genetics (formerly Invitae), Labcorp
Classification: Uncertain significance for Encephalopathy, acute, infection-induced (herpes-specific), susceptibility to, 1. Last evaluated: 2025-05-28. Review status: criteria provided, single submitter. Criteria: Invitae Variant Classification Sherloc (09022015). Collection method: clinical testing. Allele origin: germline.
Comment: This sequence change replaces isoleucine, which is neutral and non-polar, with valine, which is neutral and non-polar, at codon 521 of the TLR3 protein (p.Ile521Val). This variant is present in population databases (rs750424441, gnomAD 0.003%). This variant has not been reported in the literature in individuals affected with TLR3-related conditions. ClinVar contains an entry for this variant (Variation ID: 1983422). An algorithm developed to predict the effect of missense changes on protein structure and function outputs the following: PolyPhen-2: "Benign". The valine amino acid residue is found in multiple mammalian species, which suggests that this missense change does not adversely affect protein function. In summary, the available evidence is currently insufficient to determine the role of this variant in disease. Therefore, it has been classified as a Variant of Uncertain Significance.